The following is an entry in ClinVar:

NM_015978.3(TNNI3K):c.1504G>A (p.Asp502Asn)

Genes: FPGT-TNNI3K (FPGT-TNNI3K readthrough; plus strand), TNNI3K (TNNI3 interacting kinase; plus strand). Cytogenetic location: 1p31.1.
Variant type: single nucleotide variant.
Coding change: c.1504G>A on transcript NM_015978.3 (MANE Select); coding-DNA position 1504, G replaced by A.
Protein change: p.Asp502Asn; replaces aspartic acid 502 with asparagine.
Molecular consequence: missense variant.
Genome position (GRCh38, 1-based): chr1:74,369,422, G>A. VCF-style: chr1-74369422-G-A. GRCh37 (hg19) VCF-style: chr1-74835106-G-A.
Other names: c.1807G>A, p.Asp603Asn (NM_001112808.3, NM_001199327.2); short protein forms D603N, D502N.
Identifiers: ClinVar variation 2117860 (VCV002117860.4), dbSNP rs778211186, ClinGen allele CA909319.

ClinVar aggregate classification (germline): Uncertain significance (1 of 4 stars; one submission).

Allele frequency attached by ClinVar (database versions not stated): ExAC 0.00002.
gnomAD v4.1: 13 of 1,611,818 alleles (0.00081%); highest among the groups gnomAD compares: Non-Finnish European, 0.001%; no homozygotes.

Submission:

Labcorp Genetics (formerly Invitae), Labcorp
Classification: Uncertain significance. Last evaluated: 2025-11-22. Review status: criteria provided, single submitter. Criteria: Invitae Variant Classification Sherloc (09022015). Collection method: clinical testing. Allele origin: germline.
Comment: This sequence change replaces aspartic acid, which is acidic and polar, with asparagine, which is neutral and polar, at codon 502 of the TNNI3K protein (p.Asp502Asn). This variant is present in population databases (rs778211186, gnomAD 0.005%). This variant has not been reported in the literature in individuals affected with TNNI3K-related conditions. ClinVar contains an entry for this variant (Variation ID: 2117860). Invitae Evidence Modeling of protein sequence and biophysical properties (such as structural, functional, and spatial information, amino acid conservation, physicochemical variation, residue mobility, and thermodynamic stability) indicates that this missense variant is not expected to disrupt TNNI3K protein function with a negative predictive value of 80%. In summary, the available evidence is currently insufficient to determine the role of this variant in disease. Therefore, it has been classified as a Variant of Uncertain Significance.